The following is an entry in ClinVar:

ClinVar aggregate classification (germline): Likely benign. Review status: criteria provided, multiple submitters, no conflicts (2 of 4 stars). 2 submissions from 2 submitters: Likely benign (2). Last evaluated 2021-05-13.

Conditions:
Dilated cardiomyopathy 1G (CMD1G). Identifiers: Orphanet 154, MedGen C1858763, MONDO:0011400, OMIM 604145.
Autosomal recessive limb-girdle muscular dystrophy type 2J (LGMDR10). Also called: MUSCULAR DYSTROPHY, LIMB-GIRDLE, AUTOSOMAL RECESSIVE 10; Limb-girdle muscular dystrophy, type 2J. Identifiers: Orphanet 140922, MedGen C1837342, MONDO:0012127, OMIM 608807.

Allele frequency attached by ClinVar (database versions not stated): gnomAD exomes below 0.00001; TOPMed 0.00001.
gnomAD v4.1: 1 of 1,613,742 alleles (0.000062%); highest among the groups gnomAD compares: Non-Finnish European, 0.000085%; no homozygotes.

Submissions (2):

Labcorp Genetics (formerly Invitae), Labcorp
Classification: Likely benign for Dilated cardiomyopathy 1G; Autosomal recessive limb-girdle muscular dystrophy type 2J. Last evaluated: 2021-05-13. Review status: criteria provided, single submitter. Criteria: Invitae Variant Classification Sherloc (09022015). Collection method: clinical testing. Allele origin: germline.

GeneDx
Classification: Likely benign. Last evaluated: 2018-05-02. Review status: criteria provided, single submitter. Criteria: GeneDx Variant Classification (06012015). Collection method: clinical testing. Allele origin: germline. Affected: yes.
Comment: This variant is considered likely benign or benign based on one or more of the following criteria: it is a conservative change, it occurs at a poorly conserved position in the protein, it is predicted to be benign by multiple in silico algorithms, and/or has population frequency not consistent with disease.

NM_001267550.2(TTN):c.82947C>T (p.Ile27649=)

Genes: TTN (titin; minus strand), TTN-AS1 (TTN antisense RNA 1; plus strand). Cytogenetic location: 2q31.2.
Variant type: single nucleotide variant.
Coding change: c.82947C>T on transcript NM_001267550.2 (MANE Select); coding-DNA position 82947, C replaced by T.
Protein change: p.Ile27649=; no amino-acid change (isoleucine 27649 retained).
Molecular consequence: synonymous variant.
Genome position (GRCh38, 1-based): chr2:178,563,185, G>A on the plus strand (C>T on the coding strand, the complement: TTN is on the minus strand). VCF-style: chr2-178563185-G-A. GRCh37 (hg19) VCF-style: chr2-179427912-G-A.
Other names: c.78024C>T, p.Ile26008= (NM_001256850.1); c.55752C>T, p.Ile18584= (NM_003319.4); c.75243C>T, p.Ile25081= (NM_133378.4); c.56127C>T, p.Ile18709= (NM_133432.3); c.56328C>T, p.Ile18776= (NM_133437.4).
Identifiers: ClinVar variation 682579 (VCV000682579.9), dbSNP rs1575643829, ClinGen allele CA430250395.